The following is an entry in ClinVar:

NM_015175.3(NBEAL2):c.6893A>G (p.Asn2298Ser)

Gene: NBEAL2 (neurobeachin like 2; plus strand). Cytogenetic location: 3p21.31.
Variant type: single nucleotide variant.
Coding change: c.6893A>G on transcript NM_015175.3 (MANE Select); coding-DNA position 6893, A replaced by G.
Protein change: p.Asn2298Ser; replaces asparagine 2298 with serine.
Molecular consequence: missense variant.
Genome position (GRCh38, 1-based): chr3:47,006,037, A>G. VCF-style: chr3-47006037-A-G. GRCh37 (hg19) VCF-style: chr3-47047527-A-G.
Other names: c.6791A>G, p.Asn2264Ser (NM_001365116.2); short protein forms N2264S, N2298S.
Identifiers: ClinVar variation 1684434 (VCV001684434.1), dbSNP rs2107445568, ClinGen allele CA352536746.

ClinVar aggregate classification (germline): Likely pathogenic (0 of 4 stars; one submission).

Conditions:
Gray platelet syndrome (GPS). Also called: BLEEDING DISORDER, PLATELET-TYPE, 4. Identifiers: Orphanet 721, MedGen C0272302, MONDO:0007686, OMIM 139090.

Allele frequency attached by ClinVar (database versions not stated): gnomAD exomes below 0.00001.
gnomAD v4.1: 2 of 1,613,782 alleles (0.00012%); highest among the groups gnomAD compares: South Asian, 0.0011%; no homozygotes.

Submission:

ISTH-SSC Genomics in Thrombosis and Hemostasis, KU Leuven, Center for Molecular and Vascular Biology
Classification: Likely pathogenic for Gray platelet syndrome. Review status: no assertion criteria provided. Collection method: research. Allele origin: unknown. Affected: yes.
Comment: Submitted to GoldVariant by Neil Morgan from Birmingham Platelet Group, Birmingham, UK